The following is an entry in ClinVar:

NM_001211.6(BUB1B):c.2656A>G (p.Arg886Gly)

Gene: BUB1B (BUB1 mitotic checkpoint serine/threonine kinase B; plus strand). Cytogenetic location: 15q15.1.
Variant type: single nucleotide variant.
Coding change: c.2656A>G on transcript NM_001211.6 (MANE Select); coding-DNA position 2656, A replaced by G.
Protein change: p.Arg886Gly; replaces arginine 886 with glycine.
Molecular consequence: missense variant.
Genome position (GRCh38, 1-based): chr15:40,213,452, A>G. VCF-style: chr15-40213452-A-G. GRCh37 (hg19) VCF-style: chr15-40505653-A-G.
Other names: c.2656A>G (NM_001211.5); short protein forms R886G.
Identifiers: ClinVar variation 1390466 (VCV001390466.7), dbSNP rs1342870693, ClinGen allele CA391686535.

ClinVar aggregate classification (germline): Uncertain significance. Review status: criteria provided, multiple submitters, no conflicts (2 of 4 stars). 2 submissions from 2 submitters: Uncertain significance (2). Last evaluated 2024-07-27.

Conditions:
Inborn genetic diseases. Identifiers: MedGen C0950123, MeSH D030342.
Mosaic variegated aneuploidy syndrome 1 (MVA1). Also called: Warburton-Anyane-Yeboa syndrome. Identifiers: Orphanet 1052, MedGen C1850343, MONDO:0009759, OMIM 257300.

Allele frequency attached by ClinVar (database versions not stated): gnomAD exomes below 0.00001.
gnomAD v4.1: 4 of 1,614,208 alleles (0.00025%); highest among the groups gnomAD compares: South Asian, 0.0022%; no homozygotes.

Submissions (2):

Ambry Genetics
Classification: Uncertain significance for Inborn genetic diseases. Last evaluated: 2024-07-27. Review status: criteria provided, single submitter. Criteria: Ambry Variant Classification Scheme 2023. Collection method: clinical testing. Allele origin: germline.
Comment: The p.R886G variant (also known as c.2656A>G), located in coding exon 20 of the BUB1B gene, results from an A to G substitution at nucleotide position 2656. The arginine at codon 886 is replaced by glycine, an amino acid with dissimilar properties. This amino acid position is conserved. In addition, this alteration is predicted to be tolerated by in silico analysis. Based on the available evidence, the clinical significance of this variant remains unclear.

Labcorp Genetics (formerly Invitae), Labcorp
Classification: Uncertain significance for Mosaic variegated aneuploidy syndrome 1. Last evaluated: 2021-08-22. Review status: criteria provided, single submitter. Criteria: Invitae Variant Classification Sherloc (09022015). Collection method: clinical testing. Allele origin: germline.
Comment: In summary, the available evidence is currently insufficient to determine the role of this variant in disease. Therefore, it has been classified as a Variant of Uncertain Significance. Algorithms developed to predict the effect of missense changes on protein structure and function (SIFT, PolyPhen-2, Align-GVGD) all suggest that this variant is likely to be tolerated. This variant has not been reported in the literature in individuals affected with BUB1B-related conditions. This variant is not present in population databases (ExAC no frequency). This sequence change replaces arginine with glycine at codon 886 of the BUB1B protein (p.Arg886Gly). The arginine residue is weakly conserved and there is a moderate physicochemical difference between arginine and glycine.